The following is an entry in ClinVar:

ClinVar aggregate classification (germline): Uncertain significance (1 of 4 stars; one submission).

Allele frequency attached by ClinVar (database versions not stated): gnomAD exomes below 0.00001.
gnomAD v4.1: 1 of 1,613,068 alleles (0.000062%); highest among the groups gnomAD compares: Non-Finnish European, 0.000085%; no homozygotes.

Submission:

Labcorp Genetics (formerly Invitae), Labcorp
Classification: Uncertain significance. Last evaluated: 2021-10-12. Review status: criteria provided, single submitter. Criteria: Invitae Variant Classification Sherloc (09022015). Collection method: clinical testing. Allele origin: germline.
Comment: This variant has not been reported in the literature in individuals affected with FAT4-related conditions. In summary, the available evidence is currently insufficient to determine the role of this variant in disease. Therefore, it has been classified as a Variant of Uncertain Significance. Advanced modeling of protein sequence and biophysical properties (such as structural, functional, and spatial information, amino acid conservation, physicochemical variation, residue mobility, and thermodynamic stability) performed at Invitae indicates that this missense variant is expected to disrupt FAT4 protein function. This variant is not present in population databases (ExAC no frequency). This sequence change replaces aspartic acid with valine at codon 1905 of the FAT4 protein (p.Asp1905Val). The aspartic acid residue is highly conserved and there is a large physicochemical difference between aspartic acid and valine.

NM_001291303.3(FAT4):c.5714A>T (p.Asp1905Val)

Gene: FAT4 (FAT atypical cadherin 4; plus strand). Cytogenetic location: 4q28.1.
Variant type: single nucleotide variant.
Coding change: c.5714A>T on transcript NM_001291303.3 (MANE Select); coding-DNA position 5714, A replaced by T.
Protein change: p.Asp1905Val; replaces aspartic acid 1905 with valine.
Molecular consequence: missense variant.
Genome position (GRCh38, 1-based): chr4:125,408,588, A>T. VCF-style: chr4-125408588-A-T. GRCh37 (hg19) VCF-style: chr4-126329743-A-T.
Other names: c.5714A>T, p.Asp1905Val (NM_001291285.3, NM_024582.6); short protein forms D1905V.
Identifiers: ClinVar variation 1525001 (VCV001525001.6), dbSNP rs2126021199, ClinGen allele CA358123420.